The following is an entry in ClinVar:

NM_005732.4(RAD50):c.2713A>G (p.Ile905Val)

Gene: RAD50 (RAD50 double strand break repair protein; plus strand). Cytogenetic location: 5q31.1.
Variant type: single nucleotide variant.
Coding change: c.2713A>G on transcript NM_005732.4 (MANE Select); coding-DNA position 2713, A replaced by G.
Protein change: p.Ile905Val; replaces isoleucine 905 with valine.
Molecular consequence: missense variant.
Genome position (GRCh38, 1-based): chr5:132,604,994, A>G. VCF-style: chr5-132604994-A-G. GRCh37 (hg19) VCF-style: chr5-131940686-A-G.
Other names: short protein forms I905V.
Identifiers: ClinVar variation 220227 (VCV000220227.7), dbSNP rs864622430, ClinGen allele CA350637.

ClinVar aggregate classification (germline): Uncertain significance (1 of 4 stars; one submission).

Conditions:
Hereditary cancer-predisposing syndrome. Also called: Hereditary neoplastic syndrome; Tumor predisposition; Hereditary Cancer Syndrome; Neoplastic Syndromes, Hereditary. Identifiers: Orphanet 140162, MedGen C0027672, MeSH D009386, MONDO:0015356.

Submission:

Labcorp Genetics (formerly Invitae), Labcorp
Classification: Uncertain significance for Hereditary cancer-predisposing syndrome. Last evaluated: 2022-12-12. Review status: criteria provided, single submitter. Criteria: Invitae Variant Classification Sherloc (09022015). Collection method: clinical testing. Allele origin: germline.
Comment: In summary, the available evidence is currently insufficient to determine the role of this variant in disease. Therefore, it has been classified as a Variant of Uncertain Significance. Algorithms developed to predict the effect of sequence changes on RNA splicing suggest that this variant may create or strengthen a splice site. Advanced modeling of protein sequence and biophysical properties (such as structural, functional, and spatial information, amino acid conservation, physicochemical variation, residue mobility, and thermodynamic stability) performed at Invitae indicates that this missense variant is not expected to disrupt RAD50 protein function. ClinVar contains an entry for this variant (Variation ID: 220227). This variant has not been reported in the literature in individuals affected with RAD50-related conditions. This variant is not present in population databases (gnomAD no frequency). This sequence change replaces isoleucine, which is neutral and non-polar, with valine, which is neutral and non-polar, at codon 905 of the RAD50 protein (p.Ile905Val).